The following is an entry in ClinVar:

NM_001367823.1(ARHGEF18):c.1856-5G>A

Gene: ARHGEF18 (Rho/Rac guanine nucleotide exchange factor 18; plus strand). Cytogenetic location: 19p13.2.
Variant type: single nucleotide variant.
Coding change: c.1856-5G>A on transcript NM_001367823.1 (MANE Select); 5 bases into the intron before coding-DNA position 1856, G replaced by A.
Molecular consequence: intron variant.
Genome position (GRCh38, 1-based): chr19:7,453,462, G>A. VCF-style: chr19-7453462-G-A. GRCh37 (hg19) VCF-style: chr19-7518348-G-A.
Other names: c.818-5G>A (NM_001367824.1, NM_015318.4); c.1130-5G>A (NM_001130955.2).
Identifiers: ClinVar variation 1052257 (VCV001052257.9), dbSNP rs374190359, ClinGen allele CA9136667.

ClinVar aggregate classification (germline): Uncertain significance (1 of 4 stars; one submission).

Allele frequency attached by ClinVar (database versions not stated): gnomAD exomes below 0.00001 and 0.00001; gnomAD 0.00001; TOPMed 0.00001; ExAC 0.00002; ESP Exome Variant Server 0.00008.
gnomAD v4.1: 8 of 1,585,614 alleles (0.0005%); highest among the groups gnomAD compares: South Asian, 0.0068%; no homozygotes.

Submission:

Labcorp Genetics (formerly Invitae), Labcorp
Classification: Uncertain significance. Last evaluated: 2023-08-30. Review status: criteria provided, single submitter. Criteria: Invitae Variant Classification Sherloc (09022015). Collection method: clinical testing. Allele origin: germline.
Comment: In summary, the available evidence is currently insufficient to determine the role of this variant in disease. Therefore, it has been classified as a Variant of Uncertain Significance. Algorithms developed to predict the effect of sequence changes on RNA splicing suggest that this variant may create or strengthen a splice site. ClinVar contains an entry for this variant (Variation ID: 1052257). This variant has not been reported in the literature in individuals affected with ARHGEF18-related conditions. This variant is present in population databases (rs374190359, gnomAD 0.003%). This sequence change falls in intron 6 of the ARHGEF18 gene. It does not directly change the encoded amino acid sequence of the ARHGEF18 protein.